The following is an entry in ClinVar:

NM_014629.4(ARHGEF10):c.1013G>C (p.Arg338Thr)

Gene: ARHGEF10 (Rho guanine nucleotide exchange factor 10; plus strand). Cytogenetic location: 8p23.3.
Variant type: single nucleotide variant.
Coding change: c.1013G>C on transcript NM_014629.4 (MANE Select); coding-DNA position 1013, G replaced by C.
Protein change: p.Arg338Thr; replaces arginine 338 with threonine.
Molecular consequence: missense variant.
Genome position (GRCh38, 1-based): chr8:1,882,687, G>C. VCF-style: chr8-1882687-G-C. GRCh37 (hg19) VCF-style: chr8-1830853-G-C.
Other names: c.899G>C, p.Arg300Thr (NM_001308152.2); c.1016G>C, p.Arg339Thr (NM_001308153.3); short protein forms R338T, R363T, R300T, R339T.
Identifiers: ClinVar variation 156013 (VCV000156013.19), dbSNP rs587777712, ClinGen allele CA233138.

ClinVar aggregate classification (germline): Conflicting classifications of pathogenicity. Review status: criteria provided, conflicting classifications (1 of 4 stars). 6 submissions from 6 submitters: Uncertain significance (2); Likely benign (1). 3 of the submissions do not count toward it. Last evaluated 2025-07-01.

Conditions:
Charcot-Marie-Tooth disease. Also called: Charcot-Marie-Tooth Hereditary Neuropathy; Charcot-Marie-Tooth Neuropathy. Identifiers: Orphanet 166, MedGen C0007959, MONDO:0015626.
Autosomal dominant slowed nerve conduction velocity. Identifiers: Orphanet 140481, MedGen C1842357, MONDO:0011998, OMIM 608236.

Allele frequency attached by ClinVar (database versions not stated): gnomAD exomes 0.00002; TOPMed 0.00002; gnomAD 0.00003; ExAC 0.00009.
gnomAD v4.1: 42 of 1,557,436 alleles (0.0027%); highest among the groups gnomAD compares: Non-Finnish European, 0.0033%; no homozygotes.

Submissions (6):

CeGaT Center for Human Genetics Tuebingen
Classification: Likely benign. Last evaluated: 2025-07-01. Review status: criteria provided, single submitter. Criteria: CeGaT Center For Human Genetics Tuebingen Variant Classification Criteria Version 2. Collection method: clinical testing. Allele origin: germline. Affected: yes. Observed: 1 variant allele.
Comment: ARHGEF10: BP4

Labcorp Genetics (formerly Invitae), Labcorp
Classification: Uncertain significance. Last evaluated: 2024-10-29. Review status: criteria provided, single submitter. Criteria: Invitae Variant Classification Sherloc (09022015). Collection method: clinical testing. Allele origin: germline.
Comment: This sequence change replaces arginine, which is basic and polar, with threonine, which is neutral and polar, at codon 338 of the ARHGEF10 protein (p.Arg338Thr). This variant is present in population databases (rs587777712, gnomAD 0.005%). This missense change has been observed in individual(s) with Charcot-Marie-Tooth disease (PMID: 25025039). ClinVar contains an entry for this variant (Variation ID: 156013). An algorithm developed to predict the effect of missense changes on protein structure and function (PolyPhen-2) suggests that this variant is likely to be tolerated. In summary, the available evidence is currently insufficient to determine the role of this variant in disease. Therefore, it has been classified as a Variant of Uncertain Significance.

Revvity Omics, Revvity
Classification: Uncertain significance for Autosomal dominant slowed nerve conduction velocity. Last evaluated: 2019-10-11. Review status: criteria provided, single submitter. Criteria: ACMG Guidelines, 2015. Collection method: clinical testing. Allele origin: germline.

OMIM
Classification: Uncertain significance for VARIANT OF UNKNOWN SIGNIFICANCE. Last evaluated: 2016-08-12. Review status: no assertion criteria provided. Collection method: literature only. Allele origin: germline. Not counted in ClinVar's aggregate classification.

Inherited Neuropathy Consortium Ii, University Of Miami
Classification: Uncertain significance for Autosomal dominant slowed nerve conduction velocity. Last evaluated: 2016-01-06. Review status: no assertion criteria provided. Collection method: literature only. Allele origin: germline. Affected: yes. Not counted in ClinVar's aggregate classification.

Dept. of Medical Genetics, Telemark Hospital Trust, Telemark Hospital Trust
Classification: Likely pathogenic for Charcot-Marie-Tooth disease. Last evaluated: 2013-11-01. Review status: no assertion criteria provided. Collection method: research. Allele origin: unknown. Affected: yes. Study: Charcot-Marie-Tooth disease study. Not counted in ClinVar's aggregate classification.
Comment: Populational based study of Charcot-Marie-Tooth disease in Norway

Literature cited by the submitters: PubMed 25025039 (cited by Labcorp Genetics (formerly Invitae), Labcorp and Dept. of Medical Genetics, Telemark Hospital Trust, Telemark Hospital Trust); PubMed 26558264 (cited by OMIM); PubMed 10319589 (cited by Inherited Neuropathy Consortium Ii, University Of Miami); PMC 4306395 (cited by Dept. of Medical Genetics, Telemark Hospital Trust, Telemark Hospital Trust).